The following is an entry in ClinVar:

NM_000363.5(TNNI3):c.12-50_12-47dup

Gene: TNNI3 (troponin I3, cardiac type; minus strand). Cytogenetic location: 19q13.42.
Variant type: Duplication.
Coding change: c.12-50_12-47dup on transcript NM_000363.5 (MANE Select); 50 bases into the intron before coding-DNA position 12 through 47 bases into the intron before coding-DNA position 12, 4 bases duplicated (ACAG; older notation c.12-50_12-47dupACAG).
Molecular consequence: intron variant.
Genome position (GRCh38, 1-based): chr19:55,157,355-55,157,358, CTGT duplicated on the plus strand (ACAG on the coding strand, the reverse complement: TNNI3 is on the minus strand); duplicating any 4 consecutive bases within chr19:55,157,355-55,157,360 gives the same sequence; the c. name uses the placement nearest the transcript's 3' end. VCF-style (leftmost placement, unchanged base first): chr19-55157354-C-CCTGT. GRCh37 (hg19) VCF-style: chr19-55668722-C-CCTGT.
Identifiers: ClinVar variation 671264 (VCV000671264.1), dbSNP rs377373012, ClinGen allele CA199015.
Genomic context (GRCh38, chr19:55,157,354, plus strand): 5'-ACCGCATCGCTGCTCCTGGAAGGAGAGAAACCAAGGAGGGGGGTTAGTGGTGGGCTGTGT[C>CCTGT]CTGTCTCCTAAGGGACCCCTGGAGTCCCCTCTGAACAAGAGGTCGGGGGACCGCGCTTCC-3'

ClinVar aggregate classification (germline): Benign (1 of 4 stars; one submission).

Submission:

GeneDx
Classification: Benign. Last evaluated: 2018-06-18. Review status: criteria provided, single submitter. Criteria: GeneDx Variant Classification (06012015). Collection method: clinical testing. Allele origin: germline. Affected: yes.
Comment: This variant is considered likely benign or benign based on one or more of the following criteria: it is a conservative change, it occurs at a poorly conserved position in the protein, it is predicted to be benign by multiple in silico algorithms, and/or has population frequency not consistent with disease.